The following is an entry in ClinVar:

NM_001134831.2(AHI1):c.1520C>G (p.Ser507Cys)

Gene: AHI1 (Abelson helper integration site 1; minus strand). Cytogenetic location: 6q23.3.
Variant type: single nucleotide variant.
Coding change: c.1520C>G on transcript NM_001134831.2 (MANE Select); coding-DNA position 1520, C replaced by G.
Protein change: p.Ser507Cys; replaces serine 507 with cysteine.
Molecular consequence: missense variant.
Genome position (GRCh38, 1-based): chr6:135,448,396, G>C on the plus strand (C>G on the coding strand, the complement: AHI1 is on the minus strand). VCF-style: chr6-135448396-G-C. GRCh37 (hg19) VCF-style: chr6-135769534-G-C.
Other names: c.1520C>G, p.Ser507Cys (NM_001134830.2, NM_001134832.2, NM_001350503.2 and 2 more transcripts); short protein forms S507C.
Identifiers: ClinVar variation 2012154 (VCV002012154.2), dbSNP rs772269905, ClinGen allele CA365745411.

ClinVar aggregate classification (germline): Uncertain significance (1 of 4 stars; one submission).

Conditions:
Joubert syndrome. Also called: CEREBELLOPARENCHYMAL DISORDER IV; JOUBERT-BOLTSHAUSER SYNDROME; Familial aplasia of the vermis. Identifiers: Orphanet 475, MedGen C5979921, MONDO:0018772.

gnomAD v4.1: 4 of 1,606,598 alleles (0.00025%); highest among the groups gnomAD compares: Non-Finnish European, 0.00026%; no homozygotes.

Submission:

Labcorp Genetics (formerly Invitae), Labcorp
Classification: Uncertain significance for Joubert syndrome. Last evaluated: 2022-08-25. Review status: criteria provided, single submitter. Criteria: Invitae Variant Classification Sherloc (09022015). Collection method: clinical testing. Allele origin: germline.
Comment: This variant has not been reported in the literature in individuals affected with AHI1-related conditions. In summary, the available evidence is currently insufficient to determine the role of this variant in disease. Therefore, it has been classified as a Variant of Uncertain Significance. Advanced modeling of protein sequence and biophysical properties (such as structural, functional, and spatial information, amino acid conservation, physicochemical variation, residue mobility, and thermodynamic stability) performed at Invitae indicates that this missense variant is not expected to disrupt AHI1 protein function. This variant is present in population databases (no rsID available, gnomAD 0.0009%). This sequence change replaces serine, which is neutral and polar, with cysteine, which is neutral and slightly polar, at codon 507 of the AHI1 protein (p.Ser507Cys).